The following is an entry in ClinVar:

ClinVar aggregate classification (germline): Uncertain significance (1 of 4 stars; one submission).

Conditions:
Glycogen storage disease type III (GSD3). Also called: FORBES DISEASE; Cori disease. Identifiers: Orphanet 366, MedGen C0017922, MONDO:0009291, OMIM 232400.

Allele frequency attached by ClinVar (database versions not stated): gnomAD exomes below 0.00001.
gnomAD v4.1: 5 of 1,598,966 alleles (0.00031%); highest among the groups gnomAD compares: Non-Finnish European, 0.00043%; no homozygotes.

Submission:

Labcorp Genetics (formerly Invitae), Labcorp
Classification: Uncertain significance for Glycogen storage disease type III. Last evaluated: 2021-06-16. Review status: criteria provided, single submitter. Criteria: Invitae Variant Classification Sherloc (09022015). Collection method: clinical testing. Allele origin: germline.
Comment: This sequence change replaces histidine with arginine at codon 332 of the AGL protein (p.His332Arg). The histidine residue is weakly conserved and there is a small physicochemical difference between histidine and arginine. In summary, the available evidence is currently insufficient to determine the role of this variant in disease. Therefore, it has been classified as a Variant of Uncertain Significance. Algorithms developed to predict the effect of missense changes on protein structure and function (SIFT, PolyPhen-2, Align-GVGD) all suggest that this variant is likely to be tolerated, but these predictions have not been confirmed by published functional studies and their clinical significance is uncertain. This variant has not been reported in the literature in individuals with AGL-related conditions. This variant is not present in population databases (ExAC no frequency).

NM_000642.3(AGL):c.995A>G (p.His332Arg)

Gene: AGL (amylo-alpha-1,6-glucosidase and 4-alpha-glucanotransferase; plus strand). Cytogenetic location: 1p21.2.
Variant type: single nucleotide variant.
Coding change: c.995A>G on transcript NM_000642.3 (MANE Select); coding-DNA position 995, A replaced by G.
Protein change: p.His332Arg; replaces histidine 332 with arginine.
Molecular consequence: missense variant.
Genome position (GRCh38, 1-based): chr1:99,874,723, A>G. VCF-style: chr1-99874723-A-G. GRCh37 (hg19) VCF-style: chr1-100340279-A-G.
Other names: c.995A>G, p.His332Arg (NM_000028.3, NM_000643.3, NM_000644.3 and 3 more transcripts); c.947A>G, p.His316Arg (NM_000646.3); c.791A>G, p.His264Arg (NM_001425328.1, NM_001425329.1); c.617A>G, p.His206Arg (NM_001425332.1); short protein forms H316R, H332R, H206R, H264R.
Identifiers: ClinVar variation 1361669 (VCV001361669.6), dbSNP rs2101126148, ClinGen allele CA341343036.